The following is an entry in ClinVar:

ClinVar aggregate classification (germline): Uncertain significance (1 of 4 stars; one submission).

Allele frequency attached by ClinVar (database versions not stated): gnomAD 0.00001; gnomAD exomes 0.00001; TOPMed 0.00001; ExAC 0.00002; ESP Exome Variant Server 0.00008.
gnomAD v4.1: 23 of 1,613,698 alleles (0.0014%); highest among the groups gnomAD compares: South Asian, 0.0066%; no homozygotes.

Submission:

Labcorp Genetics (formerly Invitae), Labcorp
Classification: Uncertain significance. Last evaluated: 2022-06-30. Review status: criteria provided, single submitter. Criteria: Invitae Variant Classification Sherloc (09022015). Collection method: clinical testing. Allele origin: germline.
Comment: This sequence change replaces threonine, which is neutral and polar, with methionine, which is neutral and non-polar, at codon 731 of the CDH23 protein (p.Thr731Met). This variant is present in population databases (rs374560242, gnomAD 0.003%). This variant has not been reported in the literature in individuals affected with CDH23-related conditions. Algorithms developed to predict the effect of missense changes on protein structure and function are either unavailable or do not agree on the potential impact of this missense change (SIFT: "Deleterious"; PolyPhen-2: "Not Available"; Align-GVGD: "Class C15"). In summary, the available evidence is currently insufficient to determine the role of this variant in disease. Therefore, it has been classified as a Variant of Uncertain Significance.

NM_022124.6(CDH23):c.2192C>T (p.Thr731Met)

Gene: CDH23 (cadherin related 23; plus strand). Cytogenetic location: 10q22.1.
Variant type: single nucleotide variant.
Coding change: c.2192C>T on transcript NM_022124.6 (MANE Select); coding-DNA position 2192, C replaced by T.
Protein change: p.Thr731Met; replaces threonine 731 with methionine.
Molecular consequence: missense variant.
Genome position (GRCh38, 1-based): chr10:71,694,162, C>T. VCF-style: chr10-71694162-C-T. GRCh37 (hg19) VCF-style: chr10-73453919-C-T.
Other names: c.2192C>T, p.Thr731Met (NM_001171930.2, NM_001171931.2); short protein forms T731M.
Identifiers: ClinVar variation 2145631 (VCV002145631.1), dbSNP rs374560242, ClinGen allele CA5544128.